The following is an entry in ClinVar:

NM_006031.6(PCNT):c.1943C>G (p.Pro648Arg)

Gene: PCNT (pericentrin; plus strand). Cytogenetic location: 21q22.3.
Variant type: single nucleotide variant.
Coding change: c.1943C>G on transcript NM_006031.6 (MANE Select); coding-DNA position 1943, C replaced by G.
Protein change: p.Pro648Arg; replaces proline 648 with arginine.
Molecular consequence: missense variant.
Genome position (GRCh38, 1-based): chr21:46,356,980, C>G. VCF-style: chr21-46356980-C-G. GRCh37 (hg19) VCF-style: chr21-47776895-C-G.
Other names: c.1589C>G, p.Pro530Arg (NM_001315529.2); short protein forms P648R, P530R.
Identifiers: ClinVar variation 211846 (VCV000211846.18), dbSNP rs752992538, ClinGen allele CA206040.
Genomic context (GRCh38, chr21:46,356,980, plus strand): 5'-TCCATCGAGGGCCGGCACCGGCCTGACTGTCTTCCCTGCTCCTTTTCCACACAGAGCTTC[C>G]CTGGGTGCATCTCCAGGGTGTGCAGGACGGGGACTTGGAGGCCGACACAGAGCGGGCAGC-3'
Protein context (NP_006022.3, residues 638-658): EPSEGHSQEL[Pro648Arg]WVHLQGVQDG

ClinVar aggregate classification (germline): Conflicting classifications of pathogenicity. Review status: criteria provided, conflicting classifications (1 of 4 stars). 7 submissions from 7 submitters: Uncertain significance (3); Likely benign (3). 1 of the submissions does not count toward it. Last evaluated 2024-10-16.

Conditions:
PCNT-related disorder. Also called: PCNT-related condition.
Inborn genetic diseases. Identifiers: MedGen C0950123, MeSH D030342.

Allele frequency attached by ClinVar (database versions not stated): gnomAD 0.00005 and 0.00006; TOPMed 0.00007; ExAC 0.00011.
gnomAD v4.1: 128 of 1,613,910 alleles (0.0079%); highest among the groups gnomAD compares: Middle Eastern, 0.43%; 1 homozygote.

Submissions (7):

Blueprint Genetics
Classification: Likely benign. Last evaluated: 2024-10-16. Review status: criteria provided, single submitter. Criteria: ACMG Guidelines, 2015. Collection method: clinical testing. Allele origin: germline.

Labcorp Genetics (formerly Invitae), Labcorp
Classification: Uncertain significance. Last evaluated: 2022-04-12. Review status: criteria provided, single submitter. Criteria: Invitae Variant Classification Sherloc (09022015). Collection method: clinical testing. Allele origin: germline.
Comment: This sequence change replaces proline, which is neutral and non-polar, with arginine, which is basic and polar, at codon 648 of the PCNT protein (p.Pro648Arg). This variant is present in population databases (rs752992538, gnomAD 0.03%). This variant has not been reported in the literature in individuals affected with PCNT-related conditions. ClinVar contains an entry for this variant (Variation ID: 211846). Algorithms developed to predict the effect of missense changes on protein structure and function are either unavailable or do not agree on the potential impact of this missense change (SIFT: "Tolerated"; PolyPhen-2: "Probably Damaging"; Align-GVGD: "Class C0"). In summary, the available evidence is currently insufficient to determine the role of this variant in disease. Therefore, it has been classified as a Variant of Uncertain Significance.

Ambry Genetics
Classification: Uncertain significance for Inborn genetic diseases. Last evaluated: 2021-08-02. Review status: criteria provided, single submitter. Criteria: Ambry Variant Classification Scheme 2023. Collection method: clinical testing. Allele origin: germline.

Genetic Services Laboratory, University of Chicago
Classification: Likely benign. Last evaluated: 2016-10-04. Review status: criteria provided, single submitter. Criteria: ACMG Guidelines, 2015. Collection method: clinical testing. Allele origin: germline. Affected: no.

Eurofins Ntd Llc (ga)
Classification: Uncertain significance. Last evaluated: 2016-07-07. Review status: criteria provided, single submitter. Criteria: EGL Classification Definitions 2015. Collection method: clinical testing. Allele origin: germline. Observed: 1 variant allele, 1 heterozygote.

GeneDx
Classification: Likely benign. Last evaluated: 2016-04-20. Review status: criteria provided, single submitter. Criteria: GeneDx Variant Classification (06012015). Collection method: clinical testing. Allele origin: germline. Affected: yes.
Comment: This variant is considered likely benign or benign based on one or more of the following criteria: it is a conservative change, it occurs at a poorly conserved position in the protein, it is predicted to be benign by multiple in silico algorithms, and/or has population frequency not consistent with disease.

PreventionGenetics, part of Exact Sciences
Classification: Uncertain significance for PCNT-related condition. Last evaluated: 2024-02-07. Review status: no assertion criteria provided. Collection method: clinical testing. Allele origin: germline. Not counted in ClinVar's aggregate classification.
Comment: The PCNT c.1943C>G variant is predicted to result in the amino acid substitution p.Pro648Arg. To our knowledge, this variant has not been reported in the literature. This variant is reported in 0.029% of alleles in individuals of Ashkenazi Jewish descent in gnomAD. At this time, the clinical significance of this variant is uncertain due to the absence of conclusive functional and genetic evidence.